The following is an entry in ClinVar:

NM_000180.4(GUCY2D):c.1870C>T (p.Arg624Trp)

Gene: GUCY2D (guanylate cyclase 2D, retinal; plus strand). Cytogenetic location: 17p13.1.
Variant type: single nucleotide variant.
Coding change: c.1870C>T on transcript NM_000180.4 (MANE Select); coding-DNA position 1870, C replaced by T.
Protein change: p.Arg624Trp; replaces arginine 624 with tryptophan.
Molecular consequence: missense variant.
Genome position (GRCh38, 1-based): chr17:8,012,264, C>T. VCF-style: chr17-8012264-C-T. GRCh37 (hg19) VCF-style: chr17-7915582-C-T.
Other names: short protein forms R624W.
Identifiers: ClinVar variation 863569 (VCV000863569.10), dbSNP rs757230483, ClinGen allele CA8365922.
Genomic context (GRCh38, chr17:8,012,264, plus strand): 5'-GCAGAAGGCCCTGCGGCCCTCTGGGAGGGCAACCTGGCTGTGGTCTCAGAGCACTGCACG[C>T]GGGGCTCTCTTCAGGACCTCCTCGCTCAGAGAGAAATAAAGCTGGACTGGATGTTCAAGT-3'
Protein context (NP_000171.1, residues 614-634): NLAVVSEHCT[Arg624Trp]GSLQDLLAQR

ClinVar aggregate classification (germline): Uncertain significance. Review status: criteria provided, multiple submitters, no conflicts (2 of 4 stars). 2 submissions from 2 submitters: Uncertain significance (2). Last evaluated 2026-03-27.

Conditions:
Cone-rod dystrophy 6 (CORD6). Also called: RETINAL CONE DYSTROPHY 2; Cone dystrophy progressive. Identifiers: Orphanet 1872, MedGen C1866293, MONDO:0011143, OMIM 601777.
Leber congenital amaurosis 1 (LCA1). Also called: Congenital absence of the rods and cones; Leber's congenital tapetoretinal degeneration; Leber's congenital tapetoretinal dysplasia; AMAUROSIS CONGENITA OF LEBER I; RETINAL BLINDNESS, CONGENITAL. Identifiers: Orphanet 65, MedGen C2931258, MONDO:0008764, OMIM 204000.
Inborn genetic diseases. Identifiers: MedGen C0950123, MeSH D030342.

Allele frequency attached by ClinVar (database versions not stated): TOPMed below 0.00001; ExAC 0.00001; gnomAD 0.00001; gnomAD exomes 0.00001.
gnomAD v4.1: 22 of 1,613,744 alleles (0.0014%); highest among the groups gnomAD compares: African/African-American, 0.0027%; no homozygotes.

Submissions (2):

Ambry Genetics
Classification: Uncertain significance for Inborn genetic diseases. Last evaluated: 2026-03-27. Review status: criteria provided, single submitter. Criteria: Ambry Variant Classification Scheme 2023. Collection method: clinical testing. Allele origin: germline.

Labcorp Genetics (formerly Invitae), Labcorp
Classification: Uncertain significance for Leber congenital amaurosis 1; Cone-rod dystrophy 6. Last evaluated: 2024-02-15. Review status: criteria provided, single submitter. Criteria: Invitae Variant Classification Sherloc (09022015). Collection method: clinical testing. Allele origin: germline.
Comment: This sequence change replaces arginine, which is basic and polar, with tryptophan, which is neutral and slightly polar, at codon 624 of the GUCY2D protein (p.Arg624Trp). This variant is not present in population databases (gnomAD no frequency). This missense change has been observed in individual(s) with clinical features of GUCY2D-related conditions (Invitae). ClinVar contains an entry for this variant (Variation ID: 863569). Advanced modeling of protein sequence and biophysical properties (such as structural, functional, and spatial information, amino acid conservation, physicochemical variation, residue mobility, and thermodynamic stability) has been performed at Invitae for this missense variant, however the output from this modeling did not meet the statistical confidence thresholds required to predict the impact of this variant on GUCY2D protein function. In summary, the available evidence is currently insufficient to determine the role of this variant in disease. Therefore, it has been classified as a Variant of Uncertain Significance.